The following is an entry in ClinVar:

NM_015311.3(OBSL1):c.2567A>T (p.Glu856Val)

Gene: OBSL1 (obscurin like cytoskeletal adaptor 1; minus strand). Cytogenetic location: 2q35.
Variant type: single nucleotide variant.
Coding change: c.2567A>T on transcript NM_015311.3 (MANE Select); coding-DNA position 2567, A replaced by T.
Protein change: p.Glu856Val; replaces glutamic acid 856 with valine.
Molecular consequence: missense variant.
Genome position (GRCh38, 1-based): chr2:219,563,468, T>A on the plus strand (A>T on the coding strand, the complement: OBSL1 is on the minus strand). VCF-style: chr2-219563468-T-A. GRCh37 (hg19) VCF-style: chr2-220428190-T-A.
Other names: c.2567A>T, p.Glu856Val (NM_001173408.2, NM_001173431.2); short protein forms E856V.
Identifiers: ClinVar variation 1714346 (VCV001714346.5), dbSNP rs2546282809, ClinGen allele CA350748330.

ClinVar aggregate classification (germline): Uncertain significance (1 of 4 stars; one submission).

Submission:

Labcorp Genetics (formerly Invitae), Labcorp
Classification: Uncertain significance. Last evaluated: 2022-08-02. Review status: criteria provided, single submitter. Criteria: Invitae Variant Classification Sherloc (09022015). Collection method: clinical testing. Allele origin: germline.
Comment: In summary, the available evidence is currently insufficient to determine the role of this variant in disease. Therefore, it has been classified as a Variant of Uncertain Significance. Algorithms developed to predict the effect of missense changes on protein structure and function are either unavailable or do not agree on the potential impact of this missense change (SIFT: "Deleterious"; PolyPhen-2: "Probably Damaging"; Align-GVGD: "Class C0"). This variant has not been reported in the literature in individuals affected with OBSL1-related conditions. This variant is not present in population databases (gnomAD no frequency). This sequence change replaces glutamic acid, which is acidic and polar, with valine, which is neutral and non-polar, at codon 856 of the OBSL1 protein (p.Glu856Val).